The following is an entry in ClinVar:

NM_001070.5(TUBG1):c.480G>T (p.Arg160Ser)

Gene: TUBG1 (tubulin gamma 1; plus strand). Cytogenetic location: 17q21.2.
Variant type: single nucleotide variant.
Coding change: c.480G>T on transcript NM_001070.5 (MANE Select); coding-DNA position 480, G replaced by T.
Protein change: p.Arg160Ser; replaces arginine 160 with serine.
Molecular consequence: missense variant.
Genome position (GRCh38, 1-based): chr17:42,612,947, G>T. VCF-style: chr17-42612947-G-T. GRCh37 (hg19) VCF-style: chr17-40764965-G-T.
Other names: short protein forms R160S.
Identifiers: ClinVar variation 3365198 (VCV003365198.1).
Genomic context (GRCh38, chr17:42,612,947, plus strand): 5'-AGCGCCATGTTCACCAGGCCTTCGGTCTGTTGCCCTGATCCTTTCCCCAACCCCCACCAG[G>T]TATCCTAAGAAGCTGGTGCAGACATACTCAGTGTTTCCCAACCAGGACGAGATGAGCGAT-3'
Protein context (NP_001061.2, residues 150-170): GSYLLERLND[Arg160Ser]YPKKLVQTYS

ClinVar aggregate classification (germline): Uncertain significance (1 of 4 stars; one submission).

gnomAD v4.1: 3 of 1,613,920 alleles (0.00019%); highest among the groups gnomAD compares: Non-Finnish European, 0.00025%; no homozygotes.

Submission:

GeneDx
Classification: Uncertain significance. Last evaluated: 2023-12-17. Review status: criteria provided, single submitter. Criteria: GeneDx Variant Classification Process June 2021. Collection method: clinical testing. Allele origin: germline. Affected: yes.
Comment: Not observed at significant frequency in large population cohorts (gnomAD); In silico analysis supports that this missense variant has a deleterious effect on protein structure/function; In silico analysis suggests this variant may impact gene splicing. In the absence of RNA/functional studies, the actual effect of this sequence change is unknown.; Has not been previously published as pathogenic or benign to our knowledge